The following is an entry in ClinVar:

NM_001382391.1(CSPP1):c.3578C>T (p.Thr1193Met)

Genes: ARFGEF1 (ARF guanine nucleotide exchange factor 1; minus strand), CSPP1 (centrosome and spindle pole associated protein 1; plus strand). Cytogenetic location: 8q13.2.
Variant type: single nucleotide variant.
Coding change: c.3578C>T on transcript NM_001382391.1 (MANE Select); coding-DNA position 3578, C replaced by T.
Protein change: p.Thr1193Met; replaces threonine 1193 with methionine.
Molecular consequence: missense variant. On other transcripts: 3 prime UTR variant (1), intron variant (2).
Genome position (GRCh38, 1-based): chr8:67,195,490, C>T. VCF-style: chr8-67195490-C-T. GRCh37 (hg19) VCF-style: chr8-68107725-C-T.
Other names: c.2528C>T, p.Thr843Met (NM_001291339.2); c.3497C>T, p.Thr1166Met (NM_001363131.2); c.3383C>T, p.Thr1128Met (NM_001363132.2); c.3302C>T, p.Thr1101Met (NM_001363133.2); c.3644C>T, p.Thr1215Met (NM_001364869.1); c.3464C>T, p.Thr1155Met (NM_001364870.1); c.3410C>T, p.Thr1137Met (NM_001438330.1); c.*70C>T (NM_001438331.1); and 4 more; short protein forms T1166M, T1188M, T1215M, T1101M, T843M, T1128M, T1155M, T1193M.
Identifiers: ClinVar variation 767501 (VCV000767501.13), dbSNP rs201142840, ClinGen allele CA4771215.

ClinVar aggregate classification (germline): Benign/Likely benign. Review status: criteria provided, multiple submitters, no conflicts (2 of 4 stars). 3 submissions from 3 submitters: Benign (1); Likely benign (1). 1 of the submissions does not count toward it. Last evaluated 2025-11-19.

Conditions:
CSPP1-related disorder. Also called: CSPP1-related condition.
Joubert syndrome 21 (JBTS21). Identifiers: MedGen C3810212, MONDO:0014288, OMIM 615636.

Allele frequency attached by ClinVar (database versions not stated): gnomAD exomes 0.00015 and 0.00032; gnomAD 0.00013; ExAC 0.00031; ESP Exome Variant Server 0.00016; TOPMed 0.00016.
gnomAD v4.1: 252 of 1,614,102 alleles (0.016%); highest among the groups gnomAD compares: Middle Eastern, 0.033%; no homozygotes.

Submissions (3):

Labcorp Genetics (formerly Invitae), Labcorp
Classification: Likely benign for Joubert syndrome 21. Last evaluated: 2025-11-19. Review status: criteria provided, single submitter. Criteria: Invitae Variant Classification Sherloc (09022015). Collection method: clinical testing. Allele origin: germline.

Blueprint Genetics
Classification: Benign. Last evaluated: 2024-09-15. Review status: criteria provided, single submitter. Criteria: ACMG Guidelines, 2015. Collection method: clinical testing. Allele origin: germline.

PreventionGenetics, part of Exact Sciences
Classification: Likely benign for CSPP1-related condition. Last evaluated: 2019-09-04. Review status: no assertion criteria provided. Collection method: clinical testing. Allele origin: germline. Not counted in ClinVar's aggregate classification.
Comment: This variant is classified as likely benign based on ACMG/AMP sequence variant interpretation guidelines (Richards et al. 2015 PMID: 25741868, with internal and published modifications).